The following is an entry in ClinVar:

ClinVar aggregate classification (germline): Likely pathogenic (1 of 4 stars; one submission).

Submission:

Labcorp Genetics (formerly Invitae), Labcorp
Classification: Likely pathogenic. Last evaluated: 2023-10-16. Review status: criteria provided, single submitter. Criteria: Invitae Variant Classification Sherloc (09022015). Collection method: clinical testing. Allele origin: germline.
Comment: This sequence change replaces glycine, which is neutral and non-polar, with aspartic acid, which is acidic and polar, at codon 876 of the COL2A1 protein (p.Gly876Asp). This variant is not present in population databases (gnomAD no frequency). This variant has not been reported in the literature in individuals affected with COL2A1-related conditions. Experimental studies and prediction algorithms are not available or were not evaluated, and the functional significance of this variant is currently unknown. This variant disrupts the triple helix domain of COL2A1. Glycine residues within the Gly-Xaa-Yaa repeats of the triple helix domain are required for the structure and stability of fibrillar collagens (PMID: 7695699, 8218237, 19344236). In COL2A1, variants affecting these glycine residues are significantly enriched in individuals with disease (PMID: 9016532, 17078022) compared to the general population (ExAC). In summary, the currently available evidence indicates that the variant is pathogenic, but additional data are needed to prove that conclusively. Therefore, this variant has been classified as Likely Pathogenic.

Literature cited by the submitters: PubMed 7695699; PubMed 8218237; PubMed 19344236; PubMed 9016532; PubMed 17078022.

NM_001844.5(COL2A1):c.2627G>A (p.Gly876Asp)

Gene: COL2A1 (collagen type II alpha 1 chain; minus strand). Cytogenetic location: 12q13.11.
Variant type: single nucleotide variant.
Coding change: c.2627G>A on transcript NM_001844.5 (MANE Select); coding-DNA position 2627, G replaced by A.
Protein change: p.Gly876Asp; replaces glycine 876 with aspartic acid.
Molecular consequence: missense variant.
Genome position (GRCh38, 1-based): chr12:47,980,061, C>T on the plus strand (G>A on the coding strand, the complement: COL2A1 is on the minus strand). VCF-style: chr12-47980061-C-T. GRCh37 (hg19) VCF-style: chr12-48373844-C-T.
Other names: c.2420G>A, p.Gly807Asp (NM_033150.3); short protein forms G876D, G807D.
Identifiers: ClinVar variation 1511137 (VCV001511137.8), dbSNP rs2136535158, ClinGen allele CA384544322.
Genomic context (GRCh38, chr12:47,980,061, plus strand): 5'-TCACTCACCGGGGGGCCTTGGGCACCTCGGGCTCCTTTAGGACCAGTCACTCCAGTAGGA[C>T]CCTGGAAAGGAAAGAGGGAGACAGTGAGGCCCAGTGGCCCAAGGAAGACGGTGGGCTTCT-3'
Protein context (NP_001835.3, residues 866-886): QGPSGAPGPQ[Gly876Asp]PTGVTGPKGA